The following is an entry in ClinVar:

ClinVar aggregate classification (germline): Uncertain significance (1 of 4 stars; one submission).

Submission:

GeneDx
Classification: Uncertain significance. Last evaluated: 2024-10-01. Review status: criteria provided, single submitter. Criteria: GeneDx Variant Classification Process June 2021. Collection method: clinical testing. Allele origin: germline. Affected: yes.
Comment: Not observed at significant frequency in large population cohorts (gnomAD); Has not been previously published as pathogenic or benign to our knowledge; Nonsense variant predicted to result in protein truncation or nonsense mediated decay in a gene for which loss-of-function is not an established mechanism of disease

NM_001129820.2(SLFN14):c.1058C>G (p.Ser353Ter)

Gene: SLFN14 (schlafen family member 14; minus strand). Cytogenetic location: 17q12.
Variant type: single nucleotide variant.
Coding change: c.1058C>G on transcript NM_001129820.2 (MANE Select); coding-DNA position 1058, C replaced by G.
Protein change: p.Ser353Ter; replaces serine 353 with a stop codon.
Molecular consequence: nonsense.
Genome position (GRCh38, 1-based): chr17:35,557,005, G>C on the plus strand (C>G on the coding strand, the complement: SLFN14 is on the minus strand). VCF-style: chr17-35557005-G-C. GRCh37 (hg19) VCF-style: chr17-33884024-G-C.
Other names: short protein forms S353*.
Identifiers: ClinVar variation 3776490 (VCV003776490.1).